The following is an entry in ClinVar:

ClinVar aggregate classification (germline): Uncertain significance (1 of 4 stars; one submission).

Submission:

Ambry Genetics
Classification: Uncertain significance. Last evaluated: 2025-03-31. Review status: criteria provided, single submitter. Criteria: Ambry Variant Classification Scheme 2023. Collection method: clinical testing. Allele origin: germline.
Comment: The p.G1730E variant (also known as c.5189G>A), located in coding exon 45 of the KIF1B gene, results from a G to A substitution at nucleotide position 5189. The glycine at codon 1730 is replaced by glutamic acid, an amino acid with similar properties. This amino acid position is conserved. In addition, the in silico prediction for this alteration is inconclusive. Based on the available evidence, the clinical significance of this variant remains unclear.

NM_001365951.3(KIF1B):c.5327G>A (p.Gly1776Glu)

Gene: KIF1B (kinesin family member 1B; plus strand). Cytogenetic location: 1p36.22.
Variant type: single nucleotide variant.
Coding change: c.5327G>A on transcript NM_001365951.3 (MANE Select); coding-DNA position 5327, G replaced by A.
Protein change: p.Gly1776Glu; replaces glycine 1776 with glutamic acid.
Molecular consequence: missense variant.
Genome position (GRCh38, 1-based): chr1:10,375,292, G>A. VCF-style: chr1-10375292-G-A. GRCh37 (hg19) VCF-style: chr1-10435350-G-A.
Other names: c.5327G>A, p.Gly1776Glu (NM_001365952.1); c.5189G>A, p.Gly1730Glu (NM_015074.3); short protein forms G1776E, G1730E.
Identifiers: ClinVar variation 4043094 (VCV004043094.1).